The following is an entry in ClinVar:

NM_000787.4(DBH):c.1734C>T (p.Asn578=)

Gene: DBH (dopamine beta-hydroxylase; plus strand). Cytogenetic location: 9q34.2.
Variant type: single nucleotide variant.
Coding change: c.1734C>T on transcript NM_000787.4 (MANE Select); coding-DNA position 1734, C replaced by T.
Protein change: p.Asn578=; no amino-acid change (asparagine 578 retained).
Molecular consequence: synonymous variant.
Genome position (GRCh38, 1-based): chr9:133,658,327, C>T. VCF-style: chr9-133658327-C-T. GRCh37 (hg19) VCF-style: chr9-136523449-C-T.
Identifiers: ClinVar variation 365673 (VCV000365673.17), dbSNP rs45446891, ClinGen allele CA5313696.

ClinVar aggregate classification (germline): Benign. Review status: criteria provided, multiple submitters, no conflicts (2 of 4 stars). 4 submissions from 4 submitters: Benign (3). 1 of the submissions does not count toward it. Last evaluated 2026-01-28.

Conditions:
Orthostatic hypotension 1 (ORTHYP1). Also called: Dopamine beta-hydroxylase deficiency; Orthostatic hypotension 1, due to DBH deficiency; NORADRENALINE DEFICIENCY; NOREPINEPHRINE DEFICIENCY. Identifiers: Orphanet 230, MedGen C4746777, MONDO:0009123, OMIM 223360.
DBH-related disorder. Also called: DBH-related condition.

Allele frequency attached by ClinVar (database versions not stated): 1000 Genomes Project 0.00559; 1000 Genomes Project 30x 0.00578; TOPMed 0.01149; gnomAD 0.01268 and 0.01269; ESP Exome Variant Server 0.01384; gnomAD exomes 0.01567 and 0.01668; ExAC 0.01667.
gnomAD v4.1: 26,280 of 1,613,902 alleles (1.6%); highest among the groups gnomAD compares: Middle Eastern, 3.7%; 258 homozygotes.

Submissions (4):

Labcorp Genetics (formerly Invitae), Labcorp
Classification: Benign for Orthostatic hypotension 1. Last evaluated: 2026-01-28. Review status: criteria provided, single submitter. Criteria: Invitae Variant Classification Sherloc (09022015). Collection method: clinical testing. Allele origin: germline.

Illumina Laboratory Services, Illumina
Classification: Benign for Orthostatic hypotension 1. Last evaluated: 2018-01-12. Review status: criteria provided, single submitter. Criteria: ICSL Variant Classification Criteria 13 December 2019. Collection method: clinical testing. Allele origin: germline.
Comment: This variant was observed in the ICSL laboratory as part of a predisposition screen in an ostensibly healthy population. It had not been previously curated by ICSL or reported in the Human Gene Mutation Database (HGMD: prior to June 1st, 2018), and was therefore a candidate for classification through an automated scoring system. Utilizing variant allele frequency, disease prevalence and penetrance estimates, and inheritance mode, an automated score was calculated to assess if this variant is too frequent to cause the disease. Based on the score and internal cut-off values, a variant classified as benign is not then subjected to further curation. The score for this variant resulted in a classification of benign for this disease.

Breakthrough Genomics
Classification: Benign. Review status: criteria provided, single submitter. Criteria: ACMG Guidelines, 2015. Collection method: not provided. Allele origin: germline. Inheritance: Autosomal recessive inheritance. Affected: yes.

PreventionGenetics, part of Exact Sciences
Classification: Benign for DBH-related condition. Last evaluated: 2020-01-13. Review status: no assertion criteria provided. Collection method: clinical testing. Allele origin: germline. Not counted in ClinVar's aggregate classification.
Comment: This variant is classified as benign based on ACMG/AMP sequence variant interpretation guidelines (Richards et al. 2015 PMID: 25741868, with internal and published modifications).